The following is an entry in ClinVar:

ClinVar aggregate classification (germline): Uncertain significance (1 of 4 stars; one submission).

gnomAD v4.1: 1 of 1,614,172 alleles (0.000062%); highest among the groups gnomAD compares: South Asian, 0.0011%; no homozygotes.

Submission:

Labcorp Genetics (formerly Invitae), Labcorp
Classification: Uncertain significance. Last evaluated: 2025-04-07. Review status: criteria provided, single submitter. Criteria: Invitae Variant Classification Sherloc (09022015). Collection method: clinical testing. Allele origin: germline.
Comment: This sequence change replaces alanine, which is neutral and non-polar, with valine, which is neutral and non-polar, at codon 794 of the EFTUD2 protein (p.Ala794Val). This variant is present in population databases (rs780902273, gnomAD 0.003%). This variant has not been reported in the literature in individuals affected with EFTUD2-related conditions. ClinVar contains an entry for this variant (Variation ID: 3666446). Invitae Evidence Modeling of protein sequence and biophysical properties (such as structural, functional, and spatial information, amino acid conservation, physicochemical variation, residue mobility, and thermodynamic stability) indicates that this missense variant is not expected to disrupt EFTUD2 protein function with a negative predictive value of 80%. In summary, the available evidence is currently insufficient to determine the role of this variant in disease. Therefore, it has been classified as a Variant of Uncertain Significance.

NM_004247.4(EFTUD2):c.2381C>T (p.Ala794Val)

Gene: EFTUD2 (elongation factor Tu GTP binding domain containing 2; minus strand). Cytogenetic location: 17q21.31.
Variant type: single nucleotide variant.
Coding change: c.2381C>T on transcript NM_004247.4 (MANE Select); coding-DNA position 2381, C replaced by T.
Protein change: p.Ala794Val; replaces alanine 794 with valine.
Molecular consequence: missense variant.
Genome position (GRCh38, 1-based): chr17:44,853,602, G>A on the plus strand (C>T on the coding strand, the complement: EFTUD2 is on the minus strand). VCF-style: chr17-44853602-G-A. GRCh37 (hg19) VCF-style: chr17-42930970-G-A.
Other names: c.2276C>T, p.Ala759Val (NM_001142605.2); c.2381C>T, p.Ala794Val (NM_001258353.2); c.2351C>T, p.Ala784Val (NM_001258354.2); short protein forms A759V, A784V, A794V.
Identifiers: ClinVar variation 3666446 (VCV003666446.2).